The following is an entry in ClinVar:

ClinVar aggregate classification (germline): Pathogenic (1 of 4 stars; one submission).

Submission:

Labcorp Genetics (formerly Invitae), Labcorp
Classification: Pathogenic. Last evaluated: 2021-12-24. Review status: criteria provided, single submitter. Criteria: Invitae Variant Classification Sherloc (09022015). Collection method: clinical testing. Allele origin: germline.
Comment: This sequence change creates a premature translational stop signal (p.Leu126Profs*39) in the SKIV2L gene. It is expected to result in an absent or disrupted protein product. Loss-of-function variants in SKIV2L are known to be pathogenic (PMID: 22444670). This variant is not present in population databases (gnomAD no frequency). This variant has not been reported in the literature in individuals affected with SKIV2L-related conditions. For these reasons, this variant has been classified as Pathogenic.

Literature cited by the submitters: PubMed 22444670.

NM_006929.5(SKIC2):c.377del (p.Leu126fs)

Gene: SKIC2 (SKI2 subunit of superkiller complex; plus strand). Cytogenetic location: 6p21.33.
Variant type: Deletion.
Coding change: c.377del on transcript NM_006929.5 (MANE Select); coding-DNA position 377, one base deleted (T; older notation c.377delT).
Protein change: p.Leu126fs; shifts the reading frame from leucine 126.
Molecular consequence: frameshift variant.
Genome position (GRCh38, 1-based): chr6:31,960,454, T deleted. VCF-style (leftmost placement, unchanged base first): chr6-31960453-CT-C. GRCh37 (hg19) VCF-style: chr6-31928230-CT-C.
Other names: short protein forms L126fs.
Identifiers: ClinVar variation 2056766 (VCV002056766.4), dbSNP rs2482887587, ClinGen allele CA2580074276.